The following is an entry in ClinVar:

NM_001122752.2(SERPINI1):c.933A>T (p.Gly311=)

Gene: SERPINI1 (serpin family I member 1; plus strand). Cytogenetic location: 3q26.1.
Variant type: single nucleotide variant.
Coding change: c.933A>T on transcript NM_001122752.2 (MANE Select); coding-DNA position 933, A replaced by T.
Protein change: p.Gly311=; no amino-acid change (glycine 311 retained).
Molecular consequence: synonymous variant.
Genome position (GRCh38, 1-based): chr3:167,807,295, A>T. VCF-style: chr3-167807295-A-T. GRCh37 (hg19) VCF-style: chr3-167525083-A-T.
Other names: c.933A>T, p.Gly311= (NM_005025.5).
Identifiers: ClinVar variation 4994957 (VCV004994957.1).

ClinVar aggregate classification (germline): Likely benign (1 of 4 stars; one submission).

Conditions:
SERPINI1-related disorder. Also called: SERPINI1-related condition.

Submission:

PreventionGenetics, part of Exact Sciences
Classification: Likely benign for SERPINI1-related condition. Last evaluated: 2026-04-06. Review status: criteria provided, single submitter. Criteria: ACMG Guidelines, 2015. Collection method: clinical testing. Allele origin: germline.
Comment: This variant is classified as likely benign based on ACMG/AMP sequence variant interpretation guidelines (Richards et al. 2015 PMID: 25741868, with internal and published modifications).